The following is an entry in ClinVar:

NM_022064.5(RNF123):c.3620G>A (p.Arg1207Gln)

Genes: GMPPB (GDP-mannose pyrophosphorylase B; minus strand), RNF123 (ring finger protein 123; plus strand). Cytogenetic location: 3p21.31.
Variant type: single nucleotide variant.
Coding change: c.3620G>A on transcript NM_022064.5 (MANE Select); coding-DNA position 3620, G replaced by A.
Protein change: p.Arg1207Gln; replaces arginine 1207 with glutamine.
Molecular consequence: missense variant. On other transcripts: 3 prime UTR variant (1), non-coding transcript variant (1).
Genome position (GRCh38, 1-based): chr3:49,720,630, G>A. VCF-style: chr3-49720630-G-A. GRCh37 (hg19) VCF-style: chr3-49758063-G-A.
Other names: c.*1122C>T (NM_021971.4); short protein forms R1207Q.
Identifiers: ClinVar variation 3257646 (VCV003257646.17).
Genomic context (GRCh38, chr3:49,720,630, plus strand): 5'-GCTATCTCCTGGGACAGCCAGAGCCCCCAGCACCTGGCACTGCTCTGCCAGCCCCTGACC[G>A]GAAGCGCTTCTCCCTGCAGAGCTGTGAGTGGGCTGGTGGGGCAGGTCAGGGAAATCTGGG-3'
Protein context (NP_071347.2, residues 1197-1217): APGTALPAPD[Arg1207Gln]KRFSLQSYAD

ClinVar aggregate classification (germline): Benign (1 of 4 stars; one submission).

gnomAD v4.1: 3,870 of 1,601,558 alleles (0.24%); highest among the groups gnomAD compares: East Asian, 1.8%; 29 homozygotes.

Submission:

CeGaT Center for Human Genetics Tuebingen
Classification: Benign. Last evaluated: 2024-07-01. Review status: criteria provided, single submitter. Criteria: CeGaT Center For Human Genetics Tuebingen Variant Classification Criteria Version 2. Collection method: clinical testing. Allele origin: germline. Affected: yes. Observed: 1 variant allele.
Comment: RNF123: BP4, BS1, BS2